The following is an entry in ClinVar:

NM_005477.3(HCN4):c.2739G>A (p.Ala913=)

Gene: HCN4 (hyperpolarization activated cyclic nucleotide gated potassium channel 4; minus strand). Cytogenetic location: 15q24.1.
Variant type: single nucleotide variant.
Coding change: c.2739G>A on transcript NM_005477.3 (MANE Select); coding-DNA position 2739, G replaced by A.
Protein change: p.Ala913=; no amino-acid change (alanine 913 retained).
Molecular consequence: synonymous variant.
Genome position (GRCh38, 1-based): chr15:73,323,354, C>T on the plus strand (G>A on the coding strand, the complement: HCN4 is on the minus strand). VCF-style: chr15-73323354-C-T. GRCh37 (hg19) VCF-style: chr15-73615695-C-T.
Identifiers: ClinVar variation 167170 (VCV000167170.37), dbSNP rs373411041, ClinGen allele CA234112.

ClinVar aggregate classification (germline): Conflicting classifications of pathogenicity. Review status: criteria provided, conflicting classifications (1 of 4 stars). 13 submissions from 13 submitters: Uncertain significance (1); Benign (4); Likely benign (3). 5 of the submissions do not count toward it. Last evaluated 2026-09-21.

Conditions:
Cardiovascular phenotype. Identifiers: MedGen CN230736.
Brugada syndrome 8 (BRGDA8). Identifiers: Orphanet 130, MedGen C2751083, MONDO:0013148, OMIM 613123.
Sick sinus syndrome 2, autosomal dominant (SSS2). Also called: ATRIAL FIBRILLATION WITH BRADYARRHYTHMIA; SICK SINUS SYNDROME 2; SICK SINUS SYNDROME 2 WITH OR WITHOUT CARDIAC NONCOMPACTION AND/OR ASCENDING AORTA DILATION; SINUS BRADYCARDIA SYNDROME, FAMILIAL, AUTOSOMAL DOMINANT; SINUS NODE DISEASE, FAMILIAL, AUTOSOMAL DOMINANT. Identifiers: Orphanet 166282, MedGen C1834144, MONDO:0008102, OMIM 163800.

Allele frequency attached by ClinVar (database versions not stated): gnomAD exomes 0.00057; TOPMed 0.00065; ESP Exome Variant Server 0.00073; 1000 Genomes Project 30x 0.00016; gnomAD 0.00056; ExAC 0.00130.
gnomAD v4.1: 955 of 1,573,200 alleles (0.061%); highest among the groups gnomAD compares: Middle Eastern, 0.085%; no homozygotes.

Submissions (13):

Molecular Diagnostic Laboratory for Inherited Cardiovascular Disease, Montreal Heart Institute
Classification: Likely benign. Last evaluated: 2026-09-21. Review status: criteria provided, single submitter. Criteria: ACMG Guidelines, 2015. Collection method: clinical testing. Allele origin: germline. Affected: no.

Labcorp Genetics (formerly Invitae), Labcorp
Classification: Benign for Brugada syndrome 8. Last evaluated: 2026-02-03. Review status: criteria provided, single submitter. Criteria: Invitae Variant Classification Sherloc (09022015). Collection method: clinical testing. Allele origin: germline.

Women's Health and Genetics/Laboratory Corporation of America, LabCorp
Classification: Benign. Last evaluated: 2025-11-01. Review status: criteria provided, single submitter. Criteria: LabCorp Variant Classification Summary - May 2015. Collection method: clinical testing. Allele origin: germline.

Blueprint Genetics
Classification: Likely benign. Last evaluated: 2024-11-27. Review status: criteria provided, single submitter. Criteria: ACMG Guidelines, 2015. Collection method: clinical testing. Allele origin: germline.

Illumina Laboratory Services, Illumina
Classification: Benign for Sick sinus syndrome 2, autosomal dominant. Last evaluated: 2018-01-13. Review status: criteria provided, single submitter. Criteria: ICSL Variant Classification Criteria 13 December 2019. Collection method: clinical testing. Allele origin: germline.
Comment: This variant was observed in the ICSL laboratory as part of a predisposition screen in an ostensibly healthy population. It had not been previously curated by ICSL or reported in the Human Gene Mutation Database (HGMD: prior to June 1st, 2018), and was therefore a candidate for classification through an automated scoring system. Utilizing variant allele frequency, disease prevalence and penetrance estimates, and inheritance mode, an automated score was calculated to assess if this variant is too frequent to cause the disease. Based on the score and internal cut-off values, a variant classified as benign is not then subjected to further curation. The score for this variant resulted in a classification of benign for this disease.

Ambry Genetics
Classification: Likely benign for Cardiovascular phenotype. Last evaluated: 2015-11-04. Review status: criteria provided, single submitter. Criteria: Ambry Variant Classification Scheme 2023. Collection method: clinical testing. Allele origin: germline.

GeneDx
Classification: Benign. Last evaluated: 2015-03-03. Review status: criteria provided, single submitter. Criteria: GeneDx Variant Classification Process June 2021. Collection method: clinical testing. Allele origin: germline. Affected: yes.

Eurofins Ntd Llc (ga)
Classification: Uncertain significance. Last evaluated: 2014-04-15. Review status: criteria provided, single submitter. Criteria: EGL Classification Definitions 2015. Collection method: clinical testing. Allele origin: germline. Observed: 1 variant allele, 1 heterozygote.

Clinical Genetics DNA and cytogenetics Diagnostics Lab, Erasmus MC, Erasmus Medical Center
Classification: Likely benign. Review status: no assertion criteria provided. Collection method: clinical testing. Allele origin: germline. Affected: yes. Study: VKGL Data-share Consensus. Not counted in ClinVar's aggregate classification.

Clinical Genetics, Academic Medical Center
Classification: Benign. Review status: no assertion criteria provided. Collection method: clinical testing. Allele origin: germline. Affected: yes. Study: VKGL Data-share Consensus. Not counted in ClinVar's aggregate classification.

Diagnostic Laboratory, Department of Genetics, University Medical Center Groningen
Classification: Likely benign. Review status: no assertion criteria provided. Collection method: clinical testing. Allele origin: germline. Affected: yes. Study: VKGL Data-share Consensus. Not counted in ClinVar's aggregate classification.

Genome Diagnostics Laboratory, University Medical Center Utrecht
Classification: Likely benign. Review status: no assertion criteria provided. Collection method: clinical testing. Allele origin: germline. Affected: yes. Study: VKGL Data-share Consensus. Not counted in ClinVar's aggregate classification.

Joint Genome Diagnostic Labs from Nijmegen and Maastricht, Radboudumc and MUMC+
Classification: Likely benign. Review status: no assertion criteria provided. Collection method: clinical testing. Allele origin: germline. Affected: yes. Study: VKGL Data-share Consensus. Not counted in ClinVar's aggregate classification.